The following is an entry in ClinVar:

ClinVar aggregate classification (germline): Uncertain significance. Review status: criteria provided, multiple submitters, no conflicts (2 of 4 stars). 3 submissions from 3 submitters: Uncertain significance (3). Last evaluated 2025-05-27.

Conditions:
Developmental and epileptic encephalopathy, 18 (DEE18). Also called: Early infantile epileptic encephalopathy 18. Identifiers: Orphanet 369894, MedGen C3809624, MONDO:0014201, OMIM 615476.
Inborn genetic diseases. Identifiers: MedGen C0950123, MeSH D030342.

Allele frequency attached by ClinVar (database versions not stated): ExAC 0.00002; gnomAD 0.00002 and 0.00003; gnomAD exomes 0.00002; TOPMed 0.00003.
gnomAD v4.1: 30 of 1,613,996 alleles (0.0019%); highest among the groups gnomAD compares: African/African-American, 0.0053%; no homozygotes.

Submissions (3):

Labcorp Genetics (formerly Invitae), Labcorp
Classification: Uncertain significance. Last evaluated: 2025-05-27. Review status: criteria provided, single submitter. Criteria: Invitae Variant Classification Sherloc (09022015). Collection method: clinical testing. Allele origin: germline.
Comment: This sequence change replaces arginine, which is basic and polar, with cysteine, which is neutral and slightly polar, at codon 3373 of the SZT2 protein (p.Arg3373Cys). This variant is present in population databases (rs750291489, gnomAD 0.004%). This variant has not been reported in the literature in individuals affected with SZT2-related conditions. ClinVar contains an entry for this variant (Variation ID: 587917). Invitae Evidence Modeling of protein sequence and biophysical properties (such as structural, functional, and spatial information, amino acid conservation, physicochemical variation, residue mobility, and thermodynamic stability) indicates that this missense variant is not expected to disrupt SZT2 protein function with a negative predictive value of 80%. In summary, the available evidence is currently insufficient to determine the role of this variant in disease. Therefore, it has been classified as a Variant of Uncertain Significance.

Genome-Nilou Lab
Classification: Uncertain significance for Developmental and epileptic encephalopathy, 18. Last evaluated: 2023-04-11. Review status: criteria provided, single submitter. Criteria: ACMG Guidelines, 2015. Collection method: clinical testing. Allele origin: germline. Affected: no.

Ambry Genetics
Classification: Uncertain significance for Inborn genetic diseases. Last evaluated: 2016-05-17. Review status: criteria provided, single submitter. Criteria: Ambry Variant Classification Scheme 2023. Collection method: clinical testing. Allele origin: germline.
Comment: The p.R3373C variant (also known as c.10117C>T), located in coding exon 71 of the SZT2 gene, results from a C to T substitution at nucleotide position 10117. The arginine at codon 3373 is replaced by cysteine, an amino acid with highly dissimilar properties. This variant was not reported in population based cohorts in the following databases: Database of Single Nucleotide Polymorphisms (dbSNP), NHLBI Exome Sequencing Project (ESP), and 1000 Genomes Project. In the ESP, this variant was not observed in 6503 samples (13006 alleles) with coverage at this position. This amino acid position is not well conserved in available vertebrate species. In addition, the in silico prediction for this alteration is inconclusive. Since supporting evidence is limited at this time, the clinical significance of this variant remains unclear.

NM_001365999.1(SZT2):c.10288C>T (p.Arg3430Cys)

Gene: SZT2 (SZT2 subunit of KICSTOR complex; plus strand). Cytogenetic location: 1p34.2.
Variant type: single nucleotide variant.
Coding change: c.10288C>T on transcript NM_001365999.1 (MANE Select); coding-DNA position 10288, C replaced by T.
Protein change: p.Arg3430Cys; replaces arginine 3430 with cysteine.
Molecular consequence: missense variant.
Genome position (GRCh38, 1-based): chr1:43,450,469, C>T. VCF-style: chr1-43450469-C-T. GRCh37 (hg19) VCF-style: chr1-43916140-C-T.
Other names: c.10117C>T, p.Arg3373Cys (NM_015284.4); short protein forms R3373C, R3430C.
Identifiers: ClinVar variation 587917 (VCV000587917.16), dbSNP rs750291489, ClinGen allele CA811138.